The following is an entry in ClinVar:

NM_005902.4(SMAD3):c.1009G>C (p.Gly337Arg)

Gene: SMAD3 (SMAD family member 3; plus strand). Cytogenetic location: 15q22.33.
Variant type: single nucleotide variant.
Coding change: c.1009G>C on transcript NM_005902.4 (MANE Select); coding-DNA position 1009, G replaced by C.
Protein change: p.Gly337Arg; replaces glycine 337 with arginine.
Molecular consequence: missense variant.
Genome position (GRCh38, 1-based): chr15:67,184,864, G>C. VCF-style: chr15-67184864-G-C. GRCh37 (hg19) VCF-style: chr15-67477202-G-C.
Other names: c.694G>C, p.Gly232Arg (NM_001145102.2, NM_001407016.1); c.877G>C, p.Gly293Arg (NM_001145103.2, NM_001407012.1); c.424G>C, p.Gly142Arg (NM_001145104.2, NM_001407017.1); c.1009G>C, p.Gly337Arg (NM_001407011.1); c.862G>C, p.Gly288Arg (NM_001407014.1); c.562G>C, p.Gly188Arg (NM_001407015.1); short protein forms G142R, G232R, G293R, G188R, G288R, G337R.
Identifiers: ClinVar variation 2108074 (VCV002108074.4), dbSNP rs1567002115, ClinGen allele CA392957401.

ClinVar aggregate classification (germline): Uncertain significance (1 of 4 stars; one submission).

Conditions:
Familial thoracic aortic aneurysm and aortic dissection (TAAD). Also called: Thoracic aortic aneurysms and dissections. Identifiers: Orphanet 91387, MedGen C4707243, MONDO:0019625.

Submission:

Labcorp Genetics (formerly Invitae), Labcorp
Classification: Uncertain significance for Familial thoracic aortic aneurysm and aortic dissection. Last evaluated: 2026-01-31. Review status: criteria provided, single submitter. Criteria: Invitae Variant Classification Sherloc (09022015). Collection method: clinical testing. Allele origin: germline.
Comment: This sequence change replaces glycine, which is neutral and non-polar, with arginine, which is basic and polar, at codon 337 of the SMAD3 protein (p.Gly337Arg). This variant also falls at the last nucleotide of exon 7, which is part of the consensus splice site for this exon. This variant is not present in population databases (gnomAD no frequency). This missense change has been observed in individual(s) with clinical features of SMAD3-related conditions (internal data). ClinVar contains an entry for this variant (Variation ID: 2108074). An algorithm developed to predict the effect of missense changes on protein structure and function (PolyPhen-2) suggests that this variant is likely to be disruptive. Variants that disrupt the consensus splice site are a relatively common cause of aberrant splicing (PMID: 17576681, 9536098). Algorithms developed to predict the effect of sequence changes on RNA splicing suggest that this variant may disrupt the consensus splice site. In summary, the available evidence is currently insufficient to determine the role of this variant in disease. Therefore, it has been classified as a Variant of Uncertain Significance.

Literature cited by the submitters: PubMed 17576681; PubMed 9536098.